The following is an entry in ClinVar:

NM_006206.6(PDGFRA):c.230A>G (p.Asn77Ser)

Gene: PDGFRA (platelet derived growth factor receptor alpha; plus strand). Cytogenetic location: 4q12.
Variant type: single nucleotide variant.
Coding change: c.230A>G on transcript NM_006206.6 (MANE Select); coding-DNA position 230, A replaced by G.
Protein change: p.Asn77Ser; replaces asparagine 77 with serine.
Molecular consequence: missense variant.
Genome position (GRCh38, 1-based): chr4:54,261,275, A>G. VCF-style: chr4-54261275-A-G. GRCh37 (hg19) VCF-style: chr4-55127442-A-G.
Other names: c.230A>G, p.Asn77Ser (NM_001347827.2, NM_001347829.2); c.305A>G, p.Asn102Ser (NM_001347828.2); c.269A>G, p.Asn90Ser (NM_001347830.2); short protein forms N77S, N90S, N102S.
Identifiers: ClinVar variation 528558 (VCV000528558.11), dbSNP rs1553902417, ClinGen allele CA356888569.

ClinVar aggregate classification (germline): Uncertain significance. Review status: criteria provided, multiple submitters, no conflicts (2 of 4 stars). 3 submissions from 3 submitters: Uncertain significance (3). Last evaluated 2025-11-03.

Conditions:
Hereditary cancer-predisposing syndrome. Also called: Tumor predisposition; Hereditary neoplastic syndrome; Hereditary Cancer Syndrome; Neoplastic Syndromes, Hereditary. Identifiers: Orphanet 140162, MedGen C0027672, MeSH D009386, MONDO:0015356.
Gastrointestinal stromal tumor. Also called: Gastrointestinal stroma tumor; Gastrointestinal stromal tumor, somatic. Identifiers: Orphanet 44890, MedGen C0238198, MeSH D046152, MONDO:0011719, OMIM 606764, HP:0100723.
Polyps, multiple and recurrent inflammatory fibroid, gastrointestinal. Identifiers: MedGen C5193005, MONDO:0008285, OMIM 175510.

Allele frequency attached by ClinVar (database versions not stated): gnomAD exomes below 0.00001.

Submissions (3):

Labcorp Genetics (formerly Invitae), Labcorp
Classification: Uncertain significance for Gastrointestinal stromal tumor. Last evaluated: 2025-11-03. Review status: criteria provided, single submitter. Criteria: Invitae Variant Classification Sherloc (09022015). Collection method: clinical testing. Allele origin: germline.
Comment: This sequence change replaces asparagine, which is neutral and polar, with serine, which is neutral and polar, at codon 77 of the PDGFRA protein (p.Asn77Ser). This variant is not present in population databases (gnomAD no frequency). This variant has not been reported in the literature in individuals affected with PDGFRA-related conditions. ClinVar contains an entry for this variant (Variation ID: 528558). Invitae Evidence Modeling of protein sequence and biophysical properties (such as structural, functional, and spatial information, amino acid conservation, physicochemical variation, residue mobility, and thermodynamic stability) indicates that this missense variant is not expected to disrupt PDGFRA protein function with a negative predictive value of 80%. In summary, the available evidence is currently insufficient to determine the role of this variant in disease. Therefore, it has been classified as a Variant of Uncertain Significance.

Ambry Genetics
Classification: Uncertain significance for Hereditary cancer-predisposing syndrome. Last evaluated: 2025-03-01. Review status: criteria provided, single submitter. Criteria: Ambry Variant Classification Scheme 2023. Collection method: clinical testing. Allele origin: germline.
Comment: The p.N77S variant (also known as c.230A>G), located in coding exon 2 of the PDGFRA gene, results from an A to G substitution at nucleotide position 230. The asparagine at codon 77 is replaced by serine, an amino acid with highly similar properties. This amino acid position is conserved. In addition, this alteration is predicted to be tolerated by in silico analysis. Based on the available evidence, the clinical significance of this variant remains unclear.

Baylor Genetics
Classification: Uncertain significance for Polyps, multiple and recurrent inflammatory fibroid, gastrointestinal. Last evaluated: 2023-07-21. Review status: criteria provided, single submitter. Criteria: ACMG Guidelines, 2015. Collection method: clinical testing. Allele origin: unknown.